The following is an entry in ClinVar:

ClinVar aggregate classification (germline): Uncertain significance. Review status: criteria provided, multiple submitters, no conflicts (2 of 4 stars). 3 submissions from 3 submitters: Uncertain significance (3). Last evaluated 2024-06-04.

Conditions:
Fanconi anemia (FA). Also called: Fanconi's anemia. Identifiers: Orphanet 84, MedGen C0015625, MeSH D005199, MONDO:0019391.
Fanconi anemia complementation group P. Also called: SLX4-Related Fanconi Anemia. Identifiers: Orphanet 84, MedGen C3469542, MONDO:0013499, OMIM 613951.

Allele frequency attached by ClinVar (database versions not stated): gnomAD exomes below 0.00001 and 0.00001; ExAC 0.00002.
gnomAD v4.1: 6 of 1,613,804 alleles (0.00037%); highest among the groups gnomAD compares: South Asian, 0.0011%; no homozygotes.

Submissions (3):

Labcorp Genetics (formerly Invitae), Labcorp
Classification: Uncertain significance for Fanconi anemia. Last evaluated: 2024-06-04. Review status: criteria provided, single submitter. Criteria: Invitae Variant Classification Sherloc (09022015). Collection method: clinical testing. Allele origin: germline.
Comment: This sequence change replaces serine, which is neutral and polar, with proline, which is neutral and non-polar, at codon 1344 of the SLX4 protein (p.Ser1344Pro). This variant is present in population databases (rs745595506, gnomAD 0.003%). This variant has not been reported in the literature in individuals affected with SLX4-related conditions. ClinVar contains an entry for this variant (Variation ID: 886158). Algorithms developed to predict the effect of missense changes on protein structure and function output the following: SIFT: "Not Available"; PolyPhen-2: "Benign"; Align-GVGD: "Not Available". The proline amino acid residue is found in multiple mammalian species, which suggests that this missense change does not adversely affect protein function. In summary, the available evidence is currently insufficient to determine the role of this variant in disease. Therefore, it has been classified as a Variant of Uncertain Significance.

GeneDx
Classification: Uncertain significance. Last evaluated: 2023-07-11. Review status: criteria provided, single submitter. Criteria: GeneDx Variant Classification Process June 2021. Collection method: clinical testing. Allele origin: germline. Affected: yes.
Comment: In silico analysis supports that this missense variant does not alter protein structure/function; Has not been previously published as pathogenic or benign to our knowledge; This variant is associated with the following publications: (PMID: 29641532, 16246722)

Illumina Laboratory Services, Illumina
Classification: Uncertain significance for Fanconi anemia complementation group P. Last evaluated: 2018-01-13. Review status: criteria provided, single submitter. Criteria: ICSL Variant Classification Criteria 13 December 2019. Collection method: clinical testing. Allele origin: germline.

NM_032444.4(SLX4):c.4030T>C (p.Ser1344Pro)

Gene: SLX4 (SLX4 structure-specific endonuclease subunit; minus strand). Cytogenetic location: 16p13.3.
Variant type: single nucleotide variant.
Coding change: c.4030T>C on transcript NM_032444.4 (MANE Select); coding-DNA position 4030, T replaced by C.
Protein change: p.Ser1344Pro; replaces serine 1344 with proline.
Molecular consequence: missense variant.
Genome position (GRCh38, 1-based): chr16:3,589,608, A>G on the plus strand (T>C on the coding strand, the complement: SLX4 is on the minus strand). VCF-style: chr16-3589608-A-G. GRCh37 (hg19) VCF-style: chr16-3639609-A-G.
Other names: short protein forms S1344P.
Identifiers: ClinVar variation 886158 (VCV000886158.13), dbSNP rs745595506, ClinGen allele CA7865758.
Genomic context (GRCh38, chr16:3,589,608, plus strand): 5'-CTGAGATGGGATGTGGAGCCAGCGGAGAGGAGTGCGGGTGGCCCCCGGGGTGGGGACGGG[A>G]AGGGCTTCTGTGGCCTTGCCTTCTGCCGTCAGAAGTTCCTGGAGAGACGGGAGTGAGGCA-3'
Protein context (NP_115820.2, residues 1334-1354): DGRRQGHRSP[Ser1344Pro]RPHPGGHPHS